The following is an entry in ClinVar:

ClinVar aggregate classification (germline): Uncertain significance (1 of 4 stars; one submission).

Submission:

CeGaT Center for Human Genetics Tuebingen
Classification: Uncertain significance. Last evaluated: 2026-04-01. Review status: criteria provided, single submitter. Criteria: CeGaT Center For Human Genetics Tuebingen Variant Classification Criteria Version 2. Collection method: clinical testing. Allele origin: germline. Affected: yes. Observed: 1 variant allele.
Comment: NF1: PM2:Supporting, BP4

NM_001042492.3(NF1):c.1527+6T>C

Gene: NF1 (neurofibromin 1; plus strand). Cytogenetic location: 17q11.2.
Variant type: single nucleotide variant.
Coding change: c.1527+6T>C on transcript NM_001042492.3 (MANE Select); 6 bases into the intron after coding-DNA position 1527, T replaced by C.
Molecular consequence: intron variant.
Genome position (GRCh38, 1-based): chr17:31,214,591, T>C. VCF-style: chr17-31214591-T-C. GRCh37 (hg19) VCF-style: chr17-29541609-T-C.
Other names: c.1527+6T>C (NM_000267.4, NM_001128147.3).
Identifiers: ClinVar variation 4874493 (VCV004874493.2).
Genomic context (GRCh38, chr17:31,214,591, plus strand): 5'-TCTTCTCTTGTCCATGGTGAAACTAATTCATGCAGATCCAAAGCTCTTGCTTTGTGTAAG[T>C]ATTTTTTTATGAAATGTCTCAAAATTATCACACTAAGTTAATTGGGTTTAGCTGAAACGC-3'